The following is an entry in ClinVar:

ClinVar aggregate classification (germline): Uncertain significance (1 of 4 stars; one submission).

Conditions:
MHC class II deficiency. Also called: Bare lymphocyte syndrome 2; BLS, TYPE II. Identifiers: Orphanet 572, MedGen C5447452, MONDO:0008855.

Allele frequency attached by ClinVar (database versions not stated): gnomAD exomes 0.00001; TOPMed 0.00001; ExAC 0.00002.
gnomAD v4.1: 17 of 1,613,606 alleles (0.0011%); highest among the groups gnomAD compares: Admixed American, 0.0033%; no homozygotes.

Submission:

Labcorp Genetics (formerly Invitae), Labcorp
Classification: Uncertain significance for MHC class II deficiency. Last evaluated: 2022-04-13. Review status: criteria provided, single submitter. Criteria: Invitae Variant Classification Sherloc (09022015). Collection method: clinical testing. Allele origin: germline.
Comment: This sequence change replaces arginine, which is basic and polar, with cysteine, which is neutral and slightly polar, at codon 338 of the RFX5 protein (p.Arg338Cys). This variant is present in population databases (rs752592050, gnomAD 0.007%). This missense change has been observed in individual(s) with very early onset inflammatory bowel disease (PMID: 26193622). Algorithms developed to predict the effect of missense changes on protein structure and function output the following: SIFT: "Deleterious"; PolyPhen-2: "Benign"; Align-GVGD: "Class C0". The cysteine amino acid residue is found in multiple mammalian species, which suggests that this missense change does not adversely affect protein function. In summary, the available evidence is currently insufficient to determine the role of this variant in disease. Therefore, it has been classified as a Variant of Uncertain Significance.

Literature cited by the submitters: PubMed 26193622.

NM_001025603.2(RFX5):c.1012C>T (p.Arg338Cys)

Gene: RFX5 (regulatory factor X5; minus strand). Cytogenetic location: 1q21.3.
Variant type: single nucleotide variant.
Coding change: c.1012C>T on transcript NM_001025603.2 (MANE Select); coding-DNA position 1012, C replaced by T.
Protein change: p.Arg338Cys; replaces arginine 338 with cysteine.
Molecular consequence: missense variant.
Genome position (GRCh38, 1-based): chr1:151,343,025, G>A on the plus strand (C>T on the coding strand, the complement: RFX5 is on the minus strand). VCF-style: chr1-151343025-G-A. GRCh37 (hg19) VCF-style: chr1-151315501-G-A.
Other names: c.1012C>T, p.Arg338Cys (NM_000449.4, NM_001379412.1, NM_001379413.1 and 5 more transcripts); c.892C>T, p.Arg298Cys (NM_001379419.1, NM_001379420.1); short protein forms R338C, R298C.
Identifiers: ClinVar variation 2140970 (VCV002140970.1), dbSNP rs752592050, ClinGen allele CA1089684.
Genomic context (GRCh38, chr1:151,343,025, plus strand): 5'-CTGAAGAAAGCCTGGGGGCCAGAATAGGTGGAGAGACTGGGATTGGCGGAATTAGTGAGC[G>A]AGGGGCCCGGGGAAGGAGCAGAGGCAGCCGAGCCACTAGGGCATTAACCTGCAGGTTATT-3'
Protein context (NP_001020774.1, residues 328-348): RLPLLLPRAP[Arg338Cys]SLIPPIPVSP